The following is an entry in ClinVar:

ClinVar aggregate classification (germline): Uncertain significance (1 of 4 stars; one submission).

Conditions:
Atrial fibrillation, familial, 7 (ATFB7). Identifiers: MedGen C2677106, MONDO:0012828, OMIM 612240.

Submission:

Labcorp Genetics (formerly Invitae), Labcorp
Classification: Uncertain significance for Atrial fibrillation, familial, 7. Last evaluated: 2024-09-18. Review status: criteria provided, single submitter. Criteria: Invitae Variant Classification Sherloc (09022015). Collection method: clinical testing. Allele origin: germline.
Comment: This sequence change creates a premature translational stop signal (p.Lys536*) in the KCNA5 gene. While this is not anticipated to result in nonsense mediated decay, it is expected to disrupt the last 78 amino acid(s) of the KCNA5 protein. This variant is not present in population databases (gnomAD no frequency). This variant has not been reported in the literature in individuals affected with KCNA5-related conditions. In summary, the available evidence is currently insufficient to determine the role of this variant in disease. Therefore, it has been classified as a Variant of Uncertain Significance.

NM_002234.4(KCNA5):c.1606A>T (p.Lys536Ter)

Gene: KCNA5 (potassium voltage-gated channel subfamily A member 5; plus strand). Cytogenetic location: 12p13.32.
Variant type: single nucleotide variant.
Coding change: c.1606A>T on transcript NM_002234.4 (MANE Select); coding-DNA position 1606, A replaced by T.
Protein change: p.Lys536Ter; replaces lysine 536 with a stop codon.
Molecular consequence: nonsense.
Genome position (GRCh38, 1-based): chr12:5,045,753, A>T. VCF-style: chr12-5045753-A-T. GRCh37 (hg19) VCF-style: chr12-5154919-A-T.
Other names: short protein forms K536*.
Identifiers: ClinVar variation 3717889 (VCV003717889.2).